The following is an entry in ClinVar:

NM_000143.4(FH):c.1108+7A>G

Gene: FH (fumarate hydratase; minus strand). Cytogenetic location: 1q43.
Variant type: single nucleotide variant.
Coding change: c.1108+7A>G on transcript NM_000143.4 (MANE Select); 7 bases into the intron after coding-DNA position 1108, A replaced by G.
Molecular consequence: intron variant.
Genome position (GRCh38, 1-based): chr1:241,504,035, T>C on the plus strand (A>G on the coding strand, the complement: FH is on the minus strand). VCF-style: chr1-241504035-T-C. GRCh37 (hg19) VCF-style: chr1-241667335-T-C.
Identifiers: ClinVar variation 1081543 (VCV001081543.10), dbSNP rs765397179, ClinGen allele CA1478551.

ClinVar aggregate classification (germline): Likely benign. Review status: criteria provided, multiple submitters, no conflicts (2 of 4 stars). 2 submissions from 2 submitters: Likely benign (2). Last evaluated 2025-10-01.

Conditions:
Hereditary leiomyomatosis and renal cell cancer. Also called: Reed syndrome; Multiple cutaneous and uterine leiomyomatosis; Cutaneous leiomyomata with uterine leiomyomata; Leiomyoma, hereditary multiple, of skin; Multiple cutaneous and uterine leiomyomata; Multiple cutaneous leiomyomas. Identifiers: Orphanet 523, MedGen C1708350, MONDO:0007888, OMIM 150800, HP:0007437. Disease mechanism: loss of function.

Allele frequency attached by ClinVar (database versions not stated): gnomAD exomes below 0.00001; ExAC 0.00001; gnomAD 0.00001.
gnomAD v4.1: 6 of 1,612,744 alleles (0.00037%); highest among the groups gnomAD compares: East Asian, 0.011%; no homozygotes.

Submissions (2):

Labcorp Genetics (formerly Invitae), Labcorp
Classification: Likely benign. Last evaluated: 2025-10-01. Review status: criteria provided, single submitter. Criteria: Invitae Variant Classification Sherloc (09022015). Collection method: clinical testing. Allele origin: germline.

Myriad Genetics, Inc.
Classification: Likely benign for Hereditary leiomyomatosis and renal cell cancer. Last evaluated: 2024-10-21. Review status: criteria provided, single submitter. Criteria: Myriad Autosomal Dominant, Autosomal Recessive and X-Linked Classification Criteria (2023). Collection method: clinical testing. Allele origin: unknown.
Comment: This variant is considered likely benign. This variant is intronic and is not expected to impact mRNA splicing.